The following is an entry in ClinVar:

NM_000548.5(TSC2):c.142C>G (p.Leu48Val)

Gene: TSC2 (TSC complex subunit 2; plus strand). Cytogenetic location: 16p13.3.
Variant type: single nucleotide variant.
Coding change: c.142C>G on transcript NM_000548.5 (MANE Select); coding-DNA position 142, C replaced by G.
Protein change: p.Leu48Val; replaces leucine 48 with valine.
Molecular consequence: missense variant. On other transcripts: 5 prime UTR variant (2).
Genome position (GRCh38, 1-based): chr16:2,050,403, C>G. VCF-style: chr16-2050403-C-G. GRCh37 (hg19) VCF-style: chr16-2100404-C-G.
Other names: c.142C>G (NM_000548.3); c.142C>G, p.Leu48Val (NM_001077183.3, NM_001114382.3, NM_001318827.2 and 4 more transcripts); c.-6C>G (NM_001318829.2); c.-85C>G (NM_001318831.2); c.175C>G, p.Leu59Val (NM_001318832.2); short protein forms L48V, L59V.
Identifiers: ClinVar variation 1511595 (VCV001511595.8), dbSNP rs1486839704, ClinGen allele CA394303079.

ClinVar aggregate classification (germline): Conflicting classifications of pathogenicity. Review status: criteria provided, conflicting classifications (1 of 4 stars). 3 submissions from 3 submitters: Uncertain significance (2); Benign (1). Last evaluated 2025-08-10.

Conditions:
Hereditary cancer-predisposing syndrome. Also called: Neoplastic Syndromes, Hereditary; Hereditary Cancer Syndrome; Tumor predisposition; Hereditary neoplastic syndrome. Identifiers: Orphanet 140162, MedGen C0027672, MeSH D009386, MONDO:0015356.
Isolated focal cortical dysplasia type II (FCORD2). Also called: Focal cortical dysplasia type II; CORTICAL DYSPLASIA OF TAYLOR. Identifiers: Orphanet 268994, MedGen C1846385, MONDO:0011818, OMIM 607341, HP:0032051.
Tuberous sclerosis 2 (TSC2). Identifiers: Orphanet 805, MedGen C1860707, MONDO:0013199, OMIM 613254.

Allele frequency attached by ClinVar (database versions not stated): gnomAD exomes below 0.00001 and 0.00001.
gnomAD v4.1: 4 of 1,613,882 alleles (0.00025%); highest among the groups gnomAD compares: Non-Finnish European, 0.00025%; no homozygotes.

Submissions (3):

Labcorp Genetics (formerly Invitae), Labcorp
Classification: Benign for Tuberous sclerosis 2. Last evaluated: 2025-08-10. Review status: criteria provided, single submitter. Criteria: Invitae Variant Classification Sherloc (09022015). Collection method: clinical testing. Allele origin: germline.

Ambry Genetics
Classification: Uncertain significance for Hereditary cancer-predisposing syndrome. Last evaluated: 2024-08-15. Review status: criteria provided, single submitter. Criteria: Ambry Variant Classification Scheme 2023. Collection method: clinical testing. Allele origin: germline.
Comment: The p.L48V variant (also known as c.142C>G), located in coding exon 2 of the TSC2 gene, results from a C to G substitution at nucleotide position 142. The leucine at codon 48 is replaced by valine, an amino acid with highly similar properties. This amino acid position is highly conserved in available vertebrate species. In addition, the in silico prediction for this alteration is inconclusive. Based on the available evidence, the clinical significance of this variant remains unclear.

Baylor Genetics
Classification: Uncertain significance for Isolated focal cortical dysplasia type II. Last evaluated: 2023-10-04. Review status: criteria provided, single submitter. Criteria: ACMG Guidelines, 2015. Collection method: clinical testing. Allele origin: unknown.